The following is an entry in ClinVar:

NM_014252.4(SLC25A15):c.850T>C (p.Phe284Leu)

Gene: SLC25A15 (solute carrier family 25 member 15; plus strand). Cytogenetic location: 13q14.11.
Variant type: single nucleotide variant.
Coding change: c.850T>C on transcript NM_014252.4 (MANE Select); coding-DNA position 850, T replaced by C.
Protein change: p.Phe284Leu; replaces phenylalanine 284 with leucine.
Molecular consequence: missense variant.
Genome position (GRCh38, 1-based): chr13:40,809,611, T>C. VCF-style: chr13-40809611-T-C. GRCh37 (hg19) VCF-style: chr13-41383747-T-C.
Other names: short protein forms F284L.
Identifiers: ClinVar variation 1370998 (VCV001370998.6), dbSNP rs1376001064, ClinGen allele CA387904787.

ClinVar aggregate classification (germline): Uncertain significance (1 of 4 stars; one submission).

Conditions:
Hyperornithinemia-hyperammonemia-homocitrullinuria syndrome (HHHS). Also called: Ornithine translocase deficiency; HHH SYNDROME. Identifiers: Orphanet 415, MedGen C0268540, MONDO:0009393, OMIM 238970.

Allele frequency attached by ClinVar (database versions not stated): gnomAD exomes below 0.00001; TOPMed below 0.00001; gnomAD 0.00001.
gnomAD v4.1: 4 of 1,612,166 alleles (0.00025%); highest among the groups gnomAD compares: Admixed American, 0.0017%; no homozygotes.

Submission:

Labcorp Genetics (formerly Invitae), Labcorp
Classification: Uncertain significance for Hyperornithinemia-hyperammonemia-homocitrullinuria syndrome. Last evaluated: 2021-11-21. Review status: criteria provided, single submitter. Criteria: Invitae Variant Classification Sherloc (09022015). Collection method: clinical testing. Allele origin: germline.
Comment: This sequence change replaces phenylalanine, which is neutral and non-polar, with leucine, which is neutral and non-polar, at codon 284 of the SLC25A15 protein (p.Phe284Leu). This variant is not present in population databases (gnomAD no frequency). This variant has not been reported in the literature in individuals affected with SLC25A15-related conditions. Algorithms developed to predict the effect of missense changes on protein structure and function are either unavailable or do not agree on the potential impact of this missense change (SIFT: "Deleterious"; PolyPhen-2: "Benign"; Align-GVGD: "Class C15"). In summary, the available evidence is currently insufficient to determine the role of this variant in disease. Therefore, it has been classified as a Variant of Uncertain Significance.